The following is an entry in ClinVar:

ClinVar aggregate classification (germline): Likely pathogenic (1 of 4 stars; one submission).

Submission:

Dasa
Classification: Likely pathogenic. Last evaluated: 2025-08-06. Review status: criteria provided, single submitter. Criteria: DASA Assertion Criteria. Collection method: clinical testing. Allele origin: germline.
Comment: NM_001035.3(RYR2):c.526C>G (p.Arg176Gly) is a missense variant that results in the substitution of arginine with glycine. The affected residue or protein region has prior evidence supporting clinical relevance. This variant is absent from population databases. Computational evidence supports a deleterious effect. Based on the currently available evidence, this variant is classified as likely pathogenic.

NM_001035.3(RYR2):c.526C>G (p.Arg176Gly)

Gene: RYR2 (ryanodine receptor 2; plus strand). Cytogenetic location: 1q43.
Variant type: single nucleotide variant.
Coding change: c.526C>G on transcript NM_001035.3 (MANE Select); coding-DNA position 526, C replaced by G.
Protein change: p.Arg176Gly; replaces arginine 176 with glycine.
Molecular consequence: missense variant.
Genome position (GRCh38, 1-based): chr1:237,377,385, C>G. VCF-style: chr1-237377385-C-G. GRCh37 (hg19) VCF-style: chr1-237540685-C-G.
Other names: short protein forms R176G.
Identifiers: ClinVar variation 4881947 (VCV004881947.2).
Genomic context (GRCh38, chr1:237,377,385, plus strand): 5'-GAGGCTTGTTGGTGGACCATACACCCTGCCTCTAAGCAGCGATCAGAAGGAGAAAAAGTA[C>G]GAGTTGGAGATGACCTCATCTTAGTTAGCGTGTCCTCTGAAAGGTACTTGGTAAGTGTGG-3'
Protein context (NP_001026.2, residues 166-186): SKQRSEGEKV[Arg176Gly]VGDDLILVSV